The following is an entry in ClinVar:

ClinVar aggregate classification (germline): Uncertain significance. Review status: criteria provided, multiple submitters, no conflicts (2 of 4 stars). 9 submissions from 6 submitters: Uncertain significance (9). Last evaluated 2026-03-27.

Conditions:
Congenital myopathy. Identifiers: Orphanet 97245, MedGen C0270960, MONDO:0019952.
Thyrotoxic periodic paralysis, susceptibility to, 1 (TTPP1). Identifiers: Orphanet 79102, MedGen C2749982, MONDO:0008570, OMIM 188580.
Malignant hyperthermia, susceptibility to, 5 (MHS5). Also called: CACNA1S-Related Malignant Hyperthermia Susceptibility. Identifiers: Orphanet 423, MedGen C1866077, MONDO:0011163, OMIM 601887.
Hypokalemic periodic paralysis, type 1. Also called: Hypokalemic Periodic Paralysis Type 1 (AD); HypoPP. Identifiers: Orphanet 681, MedGen C3714580, MONDO:0042979, OMIM 170400.
Congenital myopathy 18. Also called: DIHYDROPYRIDINE RECEPTOR CONGENITAL MYOPATHY; DHPR CONGENITAL MYOPATHY; Myopathy, congenital, due to dihydropyridine receptor defect. Identifiers: MedGen C5830283, MONDO:0859514, OMIM 620246.

Allele frequency attached by ClinVar (database versions not stated): gnomAD 0.00004 and 0.00005; TOPMed 0.00006; ESP Exome Variant Server 0.00008.
gnomAD v4.1: 50 of 1,614,040 alleles (0.0031%); highest among the groups gnomAD compares: Admixed American, 0.01%; 1 homozygote.

Submissions (9):

GeneDx
Classification: Uncertain significance. Last evaluated: 2026-03-27. Review status: criteria provided, single submitter. Criteria: GeneDx Variant Classification Process June 2021. Collection method: clinical testing. Allele origin: germline.
Comment: In silico analysis suggests that this missense variant does not alter protein structure/function; Has not been previously published as pathogenic or benign to our knowledge

Labcorp Genetics (formerly Invitae), Labcorp
Classification: Uncertain significance for Hypokalemic periodic paralysis, type 1; Malignant hyperthermia, susceptibility to, 5. Last evaluated: 2025-02-24. Review status: criteria provided, single submitter. Criteria: Invitae Variant Classification Sherloc (09022015). Collection method: clinical testing. Allele origin: germline.
Comment: This sequence change replaces phenylalanine, which is neutral and non-polar, with leucine, which is neutral and non-polar, at codon 112 of the CACNA1S protein (p.Phe112Leu). This variant is present in population databases (rs374324813, gnomAD 0.006%). This variant has not been reported in the literature in individuals affected with CACNA1S-related conditions. ClinVar contains an entry for this variant (Variation ID: 852587). Invitae Evidence Modeling of protein sequence and biophysical properties (such as structural, functional, and spatial information, amino acid conservation, physicochemical variation, residue mobility, and thermodynamic stability) indicates that this missense variant is not expected to disrupt CACNA1S protein function with a negative predictive value of 95%. In summary, the available evidence is currently insufficient to determine the role of this variant in disease. Therefore, it has been classified as a Variant of Uncertain Significance.

Color Diagnostics, LLC DBA Color Health
Classification: Uncertain significance for Malignant hyperthermia, susceptibility to, 5. Last evaluated: 2024-04-17. Review status: criteria provided, single submitter. Criteria: ACMG Guidelines, 2015. Collection method: clinical testing. Allele origin: germline.
Comment: This missense variant replaces phenylalanine with leucine at codon 112 of the CACNA1S protein. Computational prediction is inconclusive regarding the impact of this variant on protein structure and function. To our knowledge, functional studies have not been reported for this variant. This variant has not been reported in individuals affected with CACNA1S-related disorders in the literature. This variant has been identified in 8/251486 chromosomes in the general population by the Genome Aggregation Database (gnomAD). The available evidence is insufficient to determine the role of this variant in disease conclusively. Therefore, this variant is classified as a Variant of Uncertain Significance.

Genome-Nilou Lab
Classification: Uncertain significance for Malignant hyperthermia, susceptibility to, 5. Last evaluated: 2023-04-11. Review status: criteria provided, single submitter. Criteria: ACMG Guidelines, 2015. Collection method: clinical testing. Allele origin: germline. Affected: no.

Genome-Nilou Lab
Classification: Uncertain significance for Thyrotoxic periodic paralysis, susceptibility to, 1. Last evaluated: 2023-04-11. Review status: criteria provided, single submitter. Criteria: ACMG Guidelines, 2015. Collection method: clinical testing. Allele origin: germline. Affected: no.

Genome-Nilou Lab
Classification: Uncertain significance for Congenital myopathy 18. Last evaluated: 2023-04-11. Review status: criteria provided, single submitter. Criteria: ACMG Guidelines, 2015. Collection method: clinical testing. Allele origin: germline. Affected: no.

Genome-Nilou Lab
Classification: Uncertain significance for Hypokalemic periodic paralysis, type 1. Last evaluated: 2023-04-11. Review status: criteria provided, single submitter. Criteria: ACMG Guidelines, 2015. Collection method: clinical testing. Allele origin: germline. Affected: no.

Victorian Clinical Genetics Services, Murdoch Childrens Research Institute
Classification: Uncertain significance for Congenital myopathy. Last evaluated: 2022-06-24. Review status: criteria provided, single submitter. Criteria: ACMG Guidelines, 2015. Collection method: clinical testing. Allele origin: germline. Inheritance: Autosomal recessive inheritance. Affected: yes.
Comment: Based on the classification scheme VCGS_Germline_v1.3.4, this variant is classified as VUS-3C. Following criteria are met: 0102 - Loss of function is a known mechanism of disease in this gene and is associated with congenital myopathy (MONDO#0005336), CACNA1S-related (PMID: 28012042). (I) 0108 - This gene is associated with both recessive and dominant disease. A number of dominant conditions are associated with this gene (OMIM), however congenital myopathy associated with loss of function variants is inherited in a recessive manner (PMID: 28012042). (I) 0200 - Variant is predicted to result in a missense amino acid change from phenylalanine to leucine. (I) 0251 - This variant is heterozygous. (I) 0302 - Variant is present in gnomAD (v2) <0.001 for a dominant condition (9 heterozygotes, 0 homozygotes). (SP) 0502 - Missense variant with conflicting in silico predictions and uninformative conservation. (I) 0600 - Variant is located in the annotated ion transport protein domain (DECIPHER). (I) 0705 - No comparable missense variants have previous evidence for pathogenicity. (I) 0809 - Previous evidence of pathogenicity for this variant is inconclusive. This variant has been classified as a VUS by a clinical laboratory in ClinVar. (I) 0905 - No published segregation evidence has been identified for this variant. (I) 1007 - No published functional evidence has been identified for this variant. (I) 1208 - Inheritance information for this variant is not currently available in this individual. (I) Legend: (SP) - Supporting pathogenic, (I) - Information, (SB) - Supporting benign

Fulgent Genetics
Classification: Uncertain significance for Hypokalemic periodic paralysis, type 1; Thyrotoxic periodic paralysis, susceptibility to, 1; Malignant hyperthermia, susceptibility to, 5. Last evaluated: 2022-01-10. Review status: criteria provided, single submitter. Criteria: ACMG Guidelines, 2015. Collection method: clinical testing. Allele origin: unknown.

Literature cited by the submitters: PubMed 28012042 (cited by Victorian Clinical Genetics Services, Murdoch Childrens Research Institute).

NM_000069.3(CACNA1S):c.336C>G (p.Phe112Leu)

Gene: CACNA1S (calcium voltage-gated channel subunit alpha1 S; minus strand). Cytogenetic location: 1q32.1.
Variant type: single nucleotide variant.
Coding change: c.336C>G on transcript NM_000069.3 (MANE Select); coding-DNA position 336, C replaced by G.
Protein change: p.Phe112Leu; replaces phenylalanine 112 with leucine.
Molecular consequence: missense variant.
Genome position (GRCh38, 1-based): chr1:201,093,944, G>C on the plus strand (C>G on the coding strand, the complement: CACNA1S is on the minus strand). VCF-style: chr1-201093944-G-C. GRCh37 (hg19) VCF-style: chr1-201063072-G-C.
Other names: short protein forms F112L.
Identifiers: ClinVar variation 852587 (VCV000852587.11), dbSNP rs374324813, ClinGen allele CA079647.
Genomic context (GRCh38, chr1:201,093,944, plus strand): 5'-CAGGAAGACAATGGTGAAGTCCAGCACATTCCAGCCACTGCGCAGGTAAGCGTCCTGGTG[G>C]AATAAGAAGCCGTAGGCAATGATCTTCATGGCGGCTTCAATCGAGAAGACAATGAGGAAG-3'
Protein context (NP_000060.2, residues 102-122): AMKIIAYGFL[Phe112Leu]HQDAYLRSGW